The following is an entry in ClinVar:

NM_001365536.1(SCN9A):c.3336T>A (p.Ser1112Arg)

Genes: SCN1A-AS1 (SCN1A and SCN9A antisense RNA 1; plus strand), SCN9A (sodium voltage-gated channel alpha subunit 9; minus strand). Cytogenetic location: 2q24.3.
Variant type: single nucleotide variant.
Coding change: c.3336T>A on transcript NM_001365536.1 (MANE Select); coding-DNA position 3336, T replaced by A.
Protein change: p.Ser1112Arg; replaces serine 1112 with arginine.
Molecular consequence: missense variant.
Genome position (GRCh38, 1-based): chr2:166,272,414, A>T on the plus strand (T>A on the coding strand, the complement: SCN9A is on the minus strand). VCF-style: chr2-166272414-A-T. GRCh37 (hg19) VCF-style: chr2-167128924-A-T.
Other names: c.3303T>A, p.Ser1101Arg (NM_002977.4); short protein forms S1112R, S1101R.
Identifiers: ClinVar variation 2950133 (VCV002950133.3), dbSNP rs1697032690, ClinGen allele CA349072470.

ClinVar aggregate classification (germline): Uncertain significance (1 of 4 stars; one submission).

Conditions:
Neuropathy, hereditary sensory and autonomic, type 2A (HSAN2A). Also called: ACROOSTEOLYSIS, GIACCAI TYPE; ACROOSTEOLYSIS, NEUROGENIC; MORVAN DISEASE; NEUROPATHY, CONGENITAL SENSORY; NEUROPATHY, HEREDITARY SENSORY RADICULAR, AUTOSOMAL RECESSIVE; NEUROPATHY, HEREDITARY SENSORY, TYPE IIA. Identifiers: Orphanet 970, MedGen C2752089, MONDO:0024309, OMIM 201300.
Generalized epilepsy with febrile seizures plus, type 7 (GEFSP7). Also called: GEFS+, TYPE 7. Identifiers: Orphanet 36387, MedGen C2751778, MONDO:0013470, OMIM 613863.

Submission:

Labcorp Genetics (formerly Invitae), Labcorp
Classification: Uncertain significance for Neuropathy, hereditary sensory and autonomic, type 2A; Generalized epilepsy with febrile seizures plus, type 7. Last evaluated: 2024-04-14. Review status: criteria provided, single submitter. Criteria: Invitae Variant Classification Sherloc (09022015). Collection method: clinical testing. Allele origin: germline.
Comment: This sequence change replaces serine, which is neutral and polar, with arginine, which is basic and polar, at codon 1101 of the SCN9A protein (p.Ser1101Arg). This variant is not present in population databases (gnomAD no frequency). This variant has not been reported in the literature in individuals affected with SCN9A-related conditions. Advanced modeling of protein sequence and biophysical properties (such as structural, functional, and spatial information, amino acid conservation, physicochemical variation, residue mobility, and thermodynamic stability) performed at Invitae indicates that this missense variant is not expected to disrupt SCN9A protein function with a negative predictive value of 95%. In summary, the available evidence is currently insufficient to determine the role of this variant in disease. Therefore, it has been classified as a Variant of Uncertain Significance.